The following is an entry in ClinVar:

NM_032656.4(DHX37):c.1511A>G (p.Asp504Gly)

Gene: DHX37 (DEAH-box helicase 37; minus strand). Cytogenetic location: 12q24.31.
Variant type: single nucleotide variant.
Coding change: c.1511A>G on transcript NM_032656.4 (MANE Select); coding-DNA position 1511, A replaced by G.
Protein change: p.Asp504Gly; replaces aspartic acid 504 with glycine.
Molecular consequence: missense variant.
Genome position (GRCh38, 1-based): chr12:124,966,872, T>C on the plus strand (A>G on the coding strand, the complement: DHX37 is on the minus strand). VCF-style: chr12-124966872-T-C. GRCh37 (hg19) VCF-style: chr12-125451418-T-C.
Other names: c.1511A>G (NM_032656.3); short protein forms D504G.
Identifiers: ClinVar variation 2421148 (VCV002421148.10), dbSNP rs776268983, ClinGen allele CA6871989.

ClinVar aggregate classification (germline): Uncertain significance. Review status: criteria provided, multiple submitters, no conflicts (2 of 4 stars). 3 submissions from 3 submitters: Uncertain significance (3). Last evaluated 2026-08-06.

Conditions:
46,XY sex reversal 11. Also called: Testicular regression syndrome; ANORCHIA, FAMILIAL; TESTICULAR REGRESSION, EMBRYONIC; Vanishing testis. Identifiers: Orphanet 983, MedGen C0266427, MONDO:8000015, OMIM 273250, HP:0012870.
Inborn genetic diseases. Identifiers: MedGen C0950123, MeSH D030342.

Allele frequency attached by ClinVar (database versions not stated): gnomAD exomes 0.00001; ExAC 0.00002; gnomAD 0.00011; TOPMed 0.00013.
gnomAD v4.1: 29 of 1,614,130 alleles (0.0018%); highest among the groups gnomAD compares: Middle Eastern, 0.033%; no homozygotes.

Submissions (3):

OLLIN Analises Genomicas, OLLIN
Classification: Uncertain significance for 46,XY sex reversal 11. Last evaluated: 2026-08-06. Review status: criteria provided, single submitter. Criteria: ACMG Guidelines 2015 PMID 25741868. Collection method: clinical testing. Allele origin: germline.
Comment: This missense variant, located in exon 12 (of 27), has been reported in ClinVar (accession VCV002421148.9) and in gnomAD with an allele frequency of 0.0018%. However, to our knowledge, it has not been reported in the scientific literature. In silico analysis predicts that this variant has a tolerated effect. According to the currently available evidence, this variant has been classified as uncertain significance (PM2_P, BP4_M).

Labcorp Genetics (formerly Invitae), Labcorp
Classification: Uncertain significance. Last evaluated: 2025-06-12. Review status: criteria provided, single submitter. Criteria: Invitae Variant Classification Sherloc (09022015). Collection method: clinical testing. Allele origin: germline.
Comment: This sequence change replaces aspartic acid, which is acidic and polar, with glycine, which is neutral and non-polar, at codon 504 of the DHX37 protein (p.Asp504Gly). This variant is present in population databases (rs776268983, gnomAD 0.05%). This variant has not been reported in the literature in individuals affected with DHX37-related conditions. ClinVar contains an entry for this variant (Variation ID: 2421148). Invitae Evidence Modeling of protein sequence and biophysical properties (such as structural, functional, and spatial information, amino acid conservation, physicochemical variation, residue mobility, and thermodynamic stability) indicates that this missense variant is not expected to disrupt DHX37 protein function with a negative predictive value of 80%. In summary, the available evidence is currently insufficient to determine the role of this variant in disease. Therefore, it has been classified as a Variant of Uncertain Significance.

Ambry Genetics
Classification: Uncertain significance for Inborn genetic diseases. Last evaluated: 2025-03-08. Review status: criteria provided, single submitter. Criteria: Ambry Variant Classification Scheme 2023. Collection method: clinical testing. Allele origin: germline.